The following is an entry in ClinVar:

ClinVar aggregate classification (germline): Uncertain significance (1 of 4 stars; one submission).

Submission:

GeneDx
Classification: Uncertain significance. Last evaluated: 2025-07-28. Review status: criteria provided, single submitter. Criteria: GeneDx Variant Classification Process June 2021. Collection method: clinical testing. Allele origin: germline. Affected: yes.
Comment: Not observed at significant frequency in large population cohorts (gnomAD); In silico analysis supports that this missense variant has a deleterious effect on protein structure/function; Has not been previously published as pathogenic or benign to our knowledge; In silico analysis suggests this variant may impact gene splicing. In the absence of RNA/functional studies, the actual effect of this sequence change is unknown.

NM_015340.4(LARS2):c.1757A>G (p.His586Arg)

Genes: LARS2 (leucyl-tRNA synthetase 2, mitochondrial; plus strand), LARS2-AS1 (LARS2 antisense RNA 1; minus strand). Cytogenetic location: 3p21.31.
Variant type: single nucleotide variant.
Coding change: c.1757A>G on transcript NM_015340.4 (MANE Select); coding-DNA position 1757, A replaced by G.
Protein change: p.His586Arg; replaces histidine 586 with arginine.
Molecular consequence: missense variant.
Genome position (GRCh38, 1-based): chr3:45,500,576, A>G. VCF-style: chr3-45500576-A-G. GRCh37 (hg19) VCF-style: chr3-45542068-A-G.
Other names: c.1757A>G, p.His586Arg (NM_001368263.1); short protein forms H586R.
Identifiers: ClinVar variation 4689801 (VCV004689801.1).
Genomic context (GRCh38, chr3:45,500,576, plus strand): 5'-TGCACTTGTTCTATGCAAGATTCTTTAGTCATTTTTGCCATGATCAAAAAATGGTTAAAC[A>G]TAGGTAAGCACTTATACTGCTTTGCAAAATAATTGAGTTCCATGAATAGCAACTTTAAGC-3'
Protein context (NP_056155.1, residues 576-596): HFCHDQKMVK[His586Arg]REPFHKLLAQ